The following is an entry in ClinVar:

NM_000465.4(BARD1):c.894G>A (p.Val298=)

Gene: BARD1 (BRCA1 associated RING domain 1; minus strand). Cytogenetic location: 2q35.
Variant type: single nucleotide variant.
Coding change: c.894G>A on transcript NM_000465.4 (MANE Select); coding-DNA position 894, G replaced by A.
Protein change: p.Val298=; no amino-acid change (valine 298 retained).
Molecular consequence: synonymous variant. On other transcripts: non-coding transcript variant (2), intron variant (3).
Genome position (GRCh38, 1-based): chr2:214,780,980, C>T on the plus strand (G>A on the coding strand, the complement: BARD1 is on the minus strand). VCF-style: chr2-214780980-C-T. GRCh37 (hg19) VCF-style: chr2-215645704-C-T.
Other names: c.837G>A, p.Val279= (NM_001282543.2); c.159-28425G>A (NM_001282548.2); c.215+16081G>A (NM_001282545.2); c.364+11317G>A (NM_001282549.2).
Identifiers: ClinVar variation 1765224 (VCV001765224.3), dbSNP rs2469506986, ClinGen allele CA431391728.

ClinVar aggregate classification (germline): Benign/Likely benign. Review status: criteria provided, multiple submitters, no conflicts (2 of 4 stars). 2 submissions from 2 submitters: Benign (1); Likely benign (1). Last evaluated 2024-07-23.

Conditions:
Hereditary cancer-predisposing syndrome. Also called: Neoplastic Syndromes, Hereditary; Tumor predisposition; Hereditary Cancer Syndrome; Hereditary neoplastic syndrome. Identifiers: Orphanet 140162, MedGen C0027672, MeSH D009386, MONDO:0015356.
Familial cancer of breast. Also called: hereditary breast carcinoma; BREAST CANCER, FAMILIAL; Hereditary breast cancer. Identifiers: Orphanet 227535, MedGen C0346153, MONDO:0016419, OMIM 114480. Disease mechanism: loss of function.

Submissions (2):

Myriad Genetics, Inc.
Classification: Benign for Familial cancer of breast. Last evaluated: 2024-07-23. Review status: criteria provided, single submitter. Criteria: Myriad Autosomal Dominant, Autosomal Recessive and X-Linked Classification Criteria (2023). Collection method: clinical testing. Allele origin: unknown.
Comment: This variant is considered benign. This variant is a silent/synonymous amino acid change and it is not expected to impact splicing.

Ambry Genetics
Classification: Likely benign for Hereditary cancer-predisposing syndrome. Last evaluated: 2021-05-08. Review status: criteria provided, single submitter. Criteria: Ambry Variant Classification Scheme 2023. Collection method: clinical testing. Allele origin: germline.